The following is an entry in ClinVar:

NM_018117.12(WDR11):c.943C>T (p.Arg315Cys)

Gene: WDR11 (WD repeat domain 11; plus strand). Cytogenetic location: 10q26.12.
Variant type: single nucleotide variant.
Coding change: c.943C>T on transcript NM_018117.12 (MANE Select); coding-DNA position 943, C replaced by T.
Protein change: p.Arg315Cys; replaces arginine 315 with cysteine.
Molecular consequence: missense variant.
Genome position (GRCh38, 1-based): chr10:120,865,693, C>T. VCF-style: chr10-120865693-C-T. GRCh37 (hg19) VCF-style: chr10-122625205-C-T.
Other names: short protein forms R315C.
Identifiers: ClinVar variation 3354567 (VCV003354567.1).

ClinVar aggregate classification (germline): Uncertain significance (0 of 4 stars; one submission).

Conditions:
WDR11-related disorder. Also called: WDR11-related condition.

gnomAD v4.1: 11 of 1,610,906 alleles (0.00068%); highest among the groups gnomAD compares: Admixed American, 0.0067%; no homozygotes.

Submission:

PreventionGenetics, part of Exact Sciences
Classification: Uncertain significance for WDR11-related condition. Last evaluated: 2024-03-25. Review status: no assertion criteria provided. Collection method: clinical testing. Allele origin: germline.
Comment: The WDR11 c.943C>T variant is predicted to result in the amino acid substitution p.Arg315Cys. To our knowledge, this variant has not been reported in the literature. This variant is reported in 0.0087% of alleles in individuals of Latino descent in gnomAD. At this time, the clinical significance of this variant is uncertain due to the absence of conclusive functional and genetic evidence.